The following is an entry in ClinVar:

NM_012144.4(DNAI1):c.862C>T (p.Arg288Trp)

Gene: DNAI1 (dynein axonemal intermediate chain 1; plus strand). Cytogenetic location: 9p13.3.
Variant type: single nucleotide variant.
Coding change: c.862C>T on transcript NM_012144.4 (MANE Select); coding-DNA position 862, C replaced by T.
Protein change: p.Arg288Trp; replaces arginine 288 with tryptophan.
Molecular consequence: missense variant.
Genome position (GRCh38, 1-based): chr9:34,497,160, C>T. VCF-style: chr9-34497160-C-T. GRCh37 (hg19) VCF-style: chr9-34497158-C-T.
Other names: c.874C>T, p.Arg292Trp (NM_001281428.2); c.862C>T (NM_012144.2); short protein forms R288W, R292W.
Identifiers: ClinVar variation 220955 (VCV000220955.47), dbSNP rs202213517, ClinGen allele CA348962.

ClinVar aggregate classification (germline): Benign/Likely benign. Review status: criteria provided, multiple submitters, no conflicts (2 of 4 stars). 7 submissions from 7 submitters: Benign (3); Likely benign (2). 2 of the submissions do not count toward it. Last evaluated 2026-01-27.

Conditions:
Primary ciliary dyskinesia. Also called: Ciliary dyskinesia. Identifiers: Orphanet 244, MedGen C0008780, MONDO:0016575, HP:0012265.
Kartagener syndrome (CILD1). Also called: Dextrocardia bronchiectasis and sinusitis; SIEWERT SYNDROME; POLYNESIAN BRONCHIECTASIS; CILIARY DYSKINESIA, PRIMARY, 1; CILIARY DYSKINESIA, PRIMARY, 1, WITH OR WITHOUT SITUS INVERSUS; IMMOTILE CILIA SYNDROME. Identifiers: Orphanet 244, MedGen C4551906, MONDO:0009484, OMIM 244400.

Allele frequency attached by ClinVar (database versions not stated): gnomAD 0.00004 and 0.00060; TOPMed 0.00011; gnomAD exomes 0.00177; ExAC 0.00196; 1000 Genomes Project 0.00339; 1000 Genomes Project 30x 0.00390.
gnomAD v4.1: 1,477 of 1,614,022 alleles (0.092%); highest among the groups gnomAD compares: South Asian, 1.4%; 20 homozygotes.

Submissions (7):

Labcorp Genetics (formerly Invitae), Labcorp
Classification: Benign for Primary ciliary dyskinesia. Last evaluated: 2026-01-27. Review status: criteria provided, single submitter. Criteria: Invitae Variant Classification Sherloc (09022015). Collection method: clinical testing. Allele origin: germline.

Blueprint Genetics
Classification: Likely benign. Last evaluated: 2024-11-18. Review status: criteria provided, single submitter. Criteria: ACMG Guidelines, 2015. Collection method: clinical testing. Allele origin: germline.

CeGaT Center for Human Genetics Tuebingen
Classification: Benign. Last evaluated: 2023-12-01. Review status: criteria provided, single submitter. Criteria: CeGaT Center For Human Genetics Tuebingen Variant Classification Criteria Version 2. Collection method: clinical testing. Allele origin: germline. Affected: yes. Observed: 2 variant alleles.
Comment: DNAI1: BS1, BS2

Ambry Genetics
Classification: Benign for Primary ciliary dyskinesia. Last evaluated: 2019-04-20. Review status: criteria provided, single submitter. Criteria: Ambry Variant Classification Scheme 2023. Collection method: clinical testing. Allele origin: germline.

Illumina Laboratory Services, Illumina
Classification: Likely benign for Kartagener syndrome. Last evaluated: 2018-01-12. Review status: criteria provided, single submitter. Criteria: ICSL Variant Classification Criteria 13 December 2019. Collection method: clinical testing. Allele origin: germline.
Comment: This variant was observed in the ICSL laboratory as part of a predisposition screen in an ostensibly healthy population. It had not been previously curated by ICSL or reported in the Human Gene Mutation Database (HGMD: prior to June 1st, 2018), and was therefore a candidate for classification through an automated scoring system. Utilizing variant allele frequency, disease prevalence and penetrance estimates, and inheritance mode, an automated score was calculated to assess if this variant is too frequent to cause the disease. Based on the score and internal cut-off values, a variant classified as likely benign is not then subjected to further curation. The score for this variant resulted in a classification of likely benign for this disease.

Natera, Inc.
Classification: Benign for Primary ciliary dyskinesia. Last evaluated: 2020-01-16. Review status: no assertion criteria provided. Collection method: clinical testing. Allele origin: germline. Not counted in ClinVar's aggregate classification.

Lupski Lab, Baylor-Hopkins CMG, Baylor College of Medicine
Classification: Likely pathogenic for Kartagener syndrome. Last evaluated: 2018-05-28. Review status: flagged submission. Collection method: research. Allele origin: germline. Affected: yes. Observed: 1 variant allele. Not counted in ClinVar's aggregate classification.
ClinVar note: Reason: Outlier claim with insufficient supporting evidence